The following is an entry in ClinVar:

NM_001370.2(DNAH6):c.5038A>G (p.Asn1680Asp)

Gene: DNAH6 (dynein axonemal heavy chain 6; plus strand). Cytogenetic location: 2p11.2.
Variant type: single nucleotide variant.
Coding change: c.5038A>G on transcript NM_001370.2 (MANE Select); coding-DNA position 5038, A replaced by G.
Protein change: p.Asn1680Asp; replaces asparagine 1680 with aspartic acid.
Molecular consequence: missense variant.
Genome position (GRCh38, 1-based): chr2:84,642,014, A>G. VCF-style: chr2-84642014-A-G. GRCh37 (hg19) VCF-style: chr2-84869138-A-G.
Other names: short protein forms N1680D.
Identifiers: ClinVar variation 3345510 (VCV003345510.2).

ClinVar aggregate classification (germline): Uncertain significance. Review status: criteria provided, single submitter (1 of 4 stars). 2 submissions from 2 submitters: Uncertain significance (1). 1 of the submissions does not count toward it. Last evaluated 2024-08-19.

Conditions:
DNAH6-related disorder. Also called: DNAH6-related condition.

gnomAD v4.1: 12 of 1,551,058 alleles (0.00077%); highest among the groups gnomAD compares: East Asian, 0.02%; no homozygotes.

Submissions (2):

Ambry Genetics
Classification: Uncertain significance. Last evaluated: 2024-08-19. Review status: criteria provided, single submitter. Criteria: Ambry Variant Classification Scheme 2023. Collection method: clinical testing. Allele origin: germline.

PreventionGenetics, part of Exact Sciences
Classification: Uncertain significance for DNAH6-related condition. Last evaluated: 2024-08-02. Review status: no assertion criteria provided. Collection method: clinical testing. Allele origin: germline. Not counted in ClinVar's aggregate classification.
Comment: The DNAH6 c.5038A>G variant is predicted to result in the amino acid substitution p.Asn1680Asp. To our knowledge, this variant has not been reported in the literature. This variant is reported in 0.064% of alleles in individuals of East Asian descent in gnomAD. At this time, the clinical significance of this variant is uncertain due to the absence of conclusive functional and genetic evidence.